The following is an entry in ClinVar:

NM_006662.3(SRCAP):c.77G>A (p.Gly26Asp)

Gene: SRCAP (Snf2 related CREBBP activator protein; plus strand). Cytogenetic location: 16p11.2.
Variant type: single nucleotide variant.
Coding change: c.77G>A on transcript NM_006662.3 (MANE Select); coding-DNA position 77, G replaced by A.
Protein change: p.Gly26Asp; replaces glycine 26 with aspartic acid.
Molecular consequence: missense variant.
Genome position (GRCh38, 1-based): chr16:30,704,086, G>A. VCF-style: chr16-30704086-G-A. GRCh37 (hg19) VCF-style: chr16-30715407-G-A.
Other names: short protein forms G26D.
Identifiers: ClinVar variation 848068 (VCV000848068.10), dbSNP rs2052799415, ClinGen allele CA395596249.

ClinVar aggregate classification (germline): Uncertain significance. Review status: criteria provided, multiple submitters, no conflicts (2 of 4 stars). 2 submissions from 2 submitters: Uncertain significance (2). Last evaluated 2023-05-12.

Allele frequency attached by ClinVar (database versions not stated): gnomAD exomes below 0.00001.
gnomAD v4.1: 1 of 1,613,556 alleles (0.000062%); highest among the groups gnomAD compares: Admixed American, 0.0017%; no homozygotes.

Submissions (2):

Labcorp Genetics (formerly Invitae), Labcorp
Classification: Uncertain significance. Last evaluated: 2023-05-12. Review status: criteria provided, single submitter. Criteria: Invitae Variant Classification Sherloc (09022015). Collection method: clinical testing. Allele origin: germline.
Comment: Advanced modeling of protein sequence and biophysical properties (such as structural, functional, and spatial information, amino acid conservation, physicochemical variation, residue mobility, and thermodynamic stability) performed at Invitae indicates that this missense variant is not expected to disrupt SRCAP protein function. ClinVar contains an entry for this variant (Variation ID: 848068). This variant has not been reported in the literature in individuals affected with SRCAP-related conditions. This variant is not present in population databases (gnomAD no frequency). This sequence change replaces glycine, which is neutral and non-polar, with aspartic acid, which is acidic and polar, at codon 26 of the SRCAP protein (p.Gly26Asp). In summary, the available evidence is currently insufficient to determine the role of this variant in disease. Therefore, it has been classified as a Variant of Uncertain Significance.

Revvity Omics, Revvity
Classification: Uncertain significance. Last evaluated: 2022-06-06. Review status: criteria provided, single submitter. Criteria: ACMG Guidelines, 2015. Collection method: clinical testing. Allele origin: germline.